The following is an entry in ClinVar:

NC_000022.11:g.28710060del

Gene: CHEK2 (checkpoint kinase 2; minus strand). Cytogenetic location: 22q12.1.
Variant type: Deletion.
Genome position: GRCh38 VCF-style: chr22-28710058-TC-T. GRCh37 (hg19) VCF-style: chr22-29106046-TC-T.
Identifiers: ClinVar variation 2034577 (VCV002034577.5), dbSNP rs2517944364, ClinGen allele CA2580099669.
Genomic context (GRCh38, chr22:28,710,058, plus strand): 5'-ATACTTACATGATTTAGCTTTTTCAAAATTTCTATTTCTGTTTCAACATTGAGAGCTGGG[TC>T]CTTTGATAAACAGAATAACAGAGTTTATTAGTAATAATAATTGCCAATATTTAAAAAAAC-3'

ClinVar aggregate classification (germline): Pathogenic (1 of 4 stars; one submission).

Conditions:
Familial cancer of breast. Also called: BREAST CANCER, FAMILIAL; Hereditary breast cancer; hereditary breast carcinoma. Identifiers: Orphanet 227535, MedGen C0346153, MONDO:0016419, OMIM 114480. Disease mechanism: loss of function.

Submission:

Labcorp Genetics (formerly Invitae), Labcorp
Classification: Pathogenic for Familial cancer of breast. Last evaluated: 2022-10-07. Review status: criteria provided, single submitter. Criteria: Invitae Variant Classification Sherloc (09022015). Collection method: clinical testing. Allele origin: germline.
Comment: This sequence change creates a premature translational stop signal (p.Asp265Thrfs*10) in the CHEK2 gene. It is expected to result in an absent or disrupted protein product. Loss-of-function variants in CHEK2 are known to be pathogenic (PMID: 21876083, 24713400). This variant is not present in population databases (gnomAD no frequency). This premature translational stop signal has been observed in individual(s) with breast cancer, prostate cancer, family history of breast and ovarian cancer (PMID: 26681312, 29520813). Algorithms developed to predict the effect of sequence changes on RNA splicing suggest that this variant may disrupt the consensus splice site. For these reasons, this variant has been classified as Pathogenic. This variant is also known as c.793-1G>A.

Literature cited by the submitters: PubMed 21876083; PubMed 24713400; PubMed 26681312; PubMed 29520813.